The following is an entry in ClinVar:

NM_006612.6(KIF1C):c.719A>G (p.Lys240Arg)

Gene: KIF1C (kinesin family member 1C; plus strand). Cytogenetic location: 17p13.2.
Variant type: single nucleotide variant.
Coding change: c.719A>G on transcript NM_006612.6 (MANE Select); coding-DNA position 719, A replaced by G.
Protein change: p.Lys240Arg; replaces lysine 240 with arginine.
Molecular consequence: missense variant.
Genome position (GRCh38, 1-based): chr17:5,002,841, A>G. VCF-style: chr17-5002841-A-G. GRCh37 (hg19) VCF-style: chr17-4906136-A-G.
Other names: short protein forms K240R.
Identifiers: ClinVar variation 4281516 (VCV004281516.7).

ClinVar aggregate classification (germline): Uncertain significance (1 of 4 stars; one submission).

gnomAD v4.1: 4 of 1,585,196 alleles (0.00025%); highest among the groups gnomAD compares: Non-Finnish European, 0.00034%; no homozygotes.

Submission:

CeGaT Center for Human Genetics Tuebingen
Classification: Uncertain significance. Last evaluated: 2025-09-01. Review status: criteria provided, single submitter. Criteria: CeGaT Center For Human Genetics Tuebingen Variant Classification Criteria Version 2. Collection method: clinical testing. Allele origin: germline. Affected: yes. Observed: 1 variant allele.
Comment: KIF1C: PM2